The following is an entry in ClinVar:

ClinVar aggregate classification (germline): Conflicting classifications of pathogenicity. Review status: criteria provided, conflicting classifications (1 of 4 stars). 4 submissions from 4 submitters: Uncertain significance (1); Benign (1); Likely benign (2). Last evaluated 2024-11-11.

Conditions:
Hereditary cancer-predisposing syndrome. Also called: Tumor predisposition; Hereditary Cancer Syndrome; Hereditary neoplastic syndrome; Neoplastic Syndromes, Hereditary. Identifiers: Orphanet 140162, MedGen C0027672, MeSH D009386, MONDO:0015356.
Familial adenomatous polyposis 1 (FAP1). Also called: FAMILIAL ADENOMATOUS POLYPOSIS 1, ATTENUATED; POLYPOSIS, ADENOMATOUS INTESTINAL. Identifiers: MedGen C2713442, MONDO:0021056, OMIM 175100. Disease mechanism: loss of function.

Allele frequency attached by ClinVar (database versions not stated): gnomAD exomes below 0.00001; ExAC 0.00001; TOPMed 0.00001.
gnomAD v4.1: 1 of 1,614,066 alleles (0.000062%); highest among the groups gnomAD compares: Admixed American, 0.0017%; no homozygotes.

Submissions (4):

Labcorp Genetics (formerly Invitae), Labcorp
Classification: Likely benign for Familial adenomatous polyposis 1. Last evaluated: 2024-11-11. Review status: criteria provided, single submitter. Criteria: Invitae Variant Classification Sherloc (09022015). Collection method: clinical testing. Allele origin: germline.

Quest Diagnostics Nichols Institute San Juan Capistrano
Classification: Uncertain significance. Last evaluated: 2024-10-14. Review status: criteria provided, single submitter. Criteria: Quest Diagnostics criteria. Collection method: clinical testing. Allele origin: unknown.
Comment: The APC c.1872C>T (p.Ser624=) synonymous variant has not been reported in individuals with APC-related conditions in the published literature. The frequency of this variant in the general population, 0.000004 (1/251366 chromosomes (Genome Aggregation Database)), is uninformative in the assessment of its pathogenicity. Analysis of this variant using software algorithms for the prediction of the effect of nucleotide changes on splicing yielded predictions that this variant does not affect APC mRNA splicing. Based on the available information, we are unable to determine the clinical significance of this variant.

Myriad Genetics, Inc.
Classification: Benign for Familial adenomatous polyposis 1. Last evaluated: 2024-03-07. Review status: criteria provided, single submitter. Criteria: Myriad Autosomal Dominant, Autosomal Recessive and X-Linked Classification Criteria (2023). Collection method: clinical testing. Allele origin: unknown.
Comment: This variant is considered benign. This variant is a silent/synonymous amino acid change and it is not expected to impact splicing.

Ambry Genetics
Classification: Likely benign for Hereditary cancer-predisposing syndrome. Last evaluated: 2016-08-11. Review status: criteria provided, single submitter. Criteria: Ambry Variant Classification Scheme 2023. Collection method: clinical testing. Allele origin: germline.

NM_000038.6(APC):c.1872C>T (p.Ser624=)

Gene: APC (APC regulator of Wnt signaling pathway; plus strand). Cytogenetic location: 5q22.2.
Variant type: single nucleotide variant.
Coding change: c.1872C>T on transcript NM_000038.6 (MANE Select); coding-DNA position 1872, C replaced by T.
Protein change: p.Ser624=; no amino-acid change (serine 624 retained).
Molecular consequence: synonymous variant.
Genome position (GRCh38, 1-based): chr5:112,835,079, C>T. VCF-style: chr5-112835079-C-T. GRCh37 (hg19) VCF-style: chr5-112170776-C-T.
Other names: c.1872C>T, p.Ser624= (NM_001127510.3, NM_001354895.2); c.1818C>T, p.Ser606= (NM_001127511.3); c.1926C>T, p.Ser642= (NM_001354896.2); c.1902C>T, p.Ser634= (NM_001354897.2); c.1797C>T, p.Ser599= (NM_001354898.2); c.1788C>T, p.Ser596= (NM_001354899.2); c.1749C>T, p.Ser583= (NM_001354900.2); c.1695C>T, p.Ser565= (NM_001354901.2); and 5 more.
Identifiers: ClinVar variation 486762 (VCV000486762.16), dbSNP rs748550745, ClinGen allele CA029775.